The following is an entry in ClinVar:

NM_001267550.2(TTN):c.18396T>C (p.Thr6132=)

Genes: TTN (titin; minus strand), LOC126806430 (BRD4-independent group 4 enhancer GRCh37_chr2:179593794-179594993; plus strand). Cytogenetic location: 2q31.2.
Variant type: single nucleotide variant.
Coding change: c.18396T>C on transcript NM_001267550.2 (MANE Select); coding-DNA position 18396, T replaced by C.
Protein change: p.Thr6132=; no amino-acid change (threonine 6132 retained).
Molecular consequence: synonymous variant. On other transcripts: intron variant (3).
Genome position (GRCh38, 1-based): chr2:178,729,857, A>G on the plus strand (T>C on the coding strand, the complement: TTN is on the minus strand). VCF-style: chr2-178729857-A-G. GRCh37 (hg19) VCF-style: chr2-179594584-A-G.
Other names: c.17445T>C, p.Thr5815= (NM_001256850.1); c.14664T>C, p.Thr4888= (NM_133378.4); c.13282+8225T>C (NM_003319.4); c.13858+8225T>C (NM_133437.4); c.13657+8225T>C (NM_133432.3).
Identifiers: ClinVar variation 1555193 (VCV001555193.9), dbSNP rs534008239, ClinGen allele CA2001619.

ClinVar aggregate classification (germline): Likely benign. Review status: criteria provided, multiple submitters, no conflicts (2 of 4 stars). 2 submissions from 2 submitters: Likely benign (2). Last evaluated 2026-08-19.

Conditions:
Dilated cardiomyopathy 1G (CMD1G). Identifiers: Orphanet 154, MedGen C1858763, MONDO:0011400, OMIM 604145.
Autosomal recessive limb-girdle muscular dystrophy type 2J (LGMDR10). Also called: Limb-girdle muscular dystrophy, type 2J; MUSCULAR DYSTROPHY, LIMB-GIRDLE, AUTOSOMAL RECESSIVE 10. Identifiers: Orphanet 140922, MedGen C1837342, MONDO:0012127, OMIM 608807.
TTN-related disorder. Also called: TTN-related disorders; TTN-related condition; TTN-related disease.

Allele frequency attached by ClinVar (database versions not stated): gnomAD exomes below 0.00001; ExAC 0.00001; gnomAD 0.00003; TOPMed 0.00006; 1000 Genomes Project 30x 0.00016; 1000 Genomes Project 0.00020.
gnomAD v4.1: 9 of 1,613,632 alleles (0.00056%); highest among the groups gnomAD compares: African/African-American, 0.011%; no homozygotes.

Submissions (2):

PreventionGenetics, part of Exact Sciences
Classification: Likely benign for TTN-related condition. Last evaluated: 2026-08-19. Review status: criteria provided, single submitter. Criteria: ACMG Guidelines, 2015. Collection method: clinical testing. Allele origin: germline.
Comment: This variant is classified as likely benign based on ACMG/AMP sequence variant interpretation guidelines (Richards et al. 2015 PMID: 25741868, with internal and published modifications).

Labcorp Genetics (formerly Invitae), Labcorp
Classification: Likely benign for Dilated cardiomyopathy 1G; Autosomal recessive limb-girdle muscular dystrophy type 2J. Last evaluated: 2025-12-06. Review status: criteria provided, single submitter. Criteria: Invitae Variant Classification Sherloc (09022015). Collection method: clinical testing. Allele origin: germline.